The following is an entry in ClinVar:

NM_005422.4(TECTA):c.327C>T (p.Gly109=)

Genes: TBCEL-TECTA (TBCEL-TECTA readthrough; plus strand), TECTA (tectorin alpha; plus strand). Cytogenetic location: 11q23.3.
Variant type: single nucleotide variant.
Coding change: c.327C>T on transcript NM_005422.4 (MANE Select); coding-DNA position 327, C replaced by T.
Protein change: p.Gly109=; no amino-acid change (glycine 109 retained).
Molecular consequence: synonymous variant.
Genome position (GRCh38, 1-based): chr11:121,109,339, C>T. VCF-style: chr11-121109339-C-T. GRCh37 (hg19) VCF-style: chr11-120980048-C-T.
Other names: c.1284C>T, p.Gly428= (NM_001378761.1).
Identifiers: ClinVar variation 179381 (VCV000179381.29), dbSNP rs727504830, ClinGen allele CA184312.

ClinVar aggregate classification (germline): Pathogenic/Likely pathogenic. Review status: criteria provided, multiple submitters, no conflicts (2 of 4 stars). 8 submissions from 8 submitters: Pathogenic (4); Likely pathogenic (2). 2 of the submissions do not count toward it. Last evaluated 2026-06-15.

Conditions:
TECTA-related disorder. Also called: TECTA-related condition.
Autosomal recessive nonsyndromic hearing loss 21. Identifiers: Orphanet 90636, MedGen C1863655, MONDO:0011351, OMIM 603629.

Allele frequency attached by ClinVar (database versions not stated): gnomAD 0.00024 and 0.00026; TOPMed 0.00047.
gnomAD v4.1: 61 of 1,613,988 alleles (0.0038%); highest among the groups gnomAD compares: Admixed American, 0.075%; no homozygotes.

Submissions (8):

PreventionGenetics, part of Exact Sciences
Classification: Likely pathogenic for TECTA-related condition. Last evaluated: 2026-06-15. Review status: criteria provided, single submitter. Criteria: ACMG Guidelines, 2015. Collection method: clinical testing. Allele origin: germline.
Comment: The TECTA c.327C>T variant is not predicted to result in an amino acid change (p.=). This variant has been reported in the homozygous and compound heterozygous states in multiple unrelated individuals with nonsyndromic hearing loss, with an in vitro splicing assay demonstrating this variant results in the creation of a cryptic splice donor site, frameshift and premature termination (Chen et al. 2022. PubMed ID: 35870179). This variant is reported in 0.00088% of alleles in individuals of European (Non-Finnish) descent in gnomAD. This variant is interpreted as likely pathogenic.

Athena Diagnostics
Classification: Pathogenic. Last evaluated: 2026-01-20. Review status: criteria provided, single submitter. Criteria: Athena Diagnostics Criteria. Collection method: clinical testing. Allele origin: germline.
Comment: The frequency of this variant in the general population is consistent with pathogenicity. Assessment of experimental evidence suggests this variant results in abnormal RNA splicing (PMID: 35870179). This variant segregates with disease in multiple families. In multiple individuals, this variant has been seen with a single recessive pathogenic variant in the same gene, suggesting this variant may also be pathogenic.

Labcorp Genetics (formerly Invitae), Labcorp
Classification: Pathogenic. Last evaluated: 2025-09-24. Review status: criteria provided, single submitter. Criteria: Invitae Variant Classification Sherloc (09022015). Collection method: clinical testing. Allele origin: germline.
Comment: This sequence change affects codon 109 of the TECTA mRNA. It is a 'silent' change, meaning that it does not change the encoded amino acid sequence of the TECTA protein. This variant is present in population databases (rs727504830, gnomAD 0.003%). This variant has been observed in individual(s) with autosomal recessive deafness (PMID: 35870179; internal data). In at least one individual the data is consistent with being in trans (on the opposite chromosome) from a pathogenic variant. It has also been observed to segregate with disease in related individuals. ClinVar contains an entry for this variant (Variation ID: 179381). Studies have shown that this variant alters mRNA splicing and is expected to lead to the loss of protein expression (PMID: 35870179). For these reasons, this variant has been classified as Pathogenic.

Women's Health and Genetics/Laboratory Corporation of America, LabCorp
Classification: Pathogenic for Autosomal recessive nonsyndromic hearing loss 21. Last evaluated: 2025-06-30. Review status: criteria provided, single submitter. Criteria: LabCorp Variant Classification Summary - May 2015. Collection method: clinical testing. Allele origin: germline.
Comment: Variant summary: TECTA c.327C>T alters a conserved nucleotide resulting in a synonymous change. Several computational tools predict a significant impact on normal splicing: Four predict the variant creates a 5' donor site. At least one publication reports experimental evidence that this variant affects mRNA splicing (Chen_2022). The variant allele was found at a frequency of 1.6e-05 in 251416 control chromosomes. c.327C>T has been observed in multiple individuals affected with Deafness, Autosomal Recessive 21 (Chen_2022) and observed to segregate with disease. These data indicate that the variant is very likely to be associated with disease. The following publication have been ascertained in the context of this evaluation (PMID: 35870179). ClinVar contains an entry for this variant (Variation ID: 179381). Based on the evidence outlined above, the variant was classified as pathogenic.

GeneDx
Classification: Pathogenic. Last evaluated: 2024-09-06. Review status: criteria provided, single submitter. Criteria: GeneDx Variant Classification Process June 2021. Collection method: clinical testing. Allele origin: germline. Affected: yes.
Comment: Published functional studies suggest a damaging effect on gene splicing due to activation of a cryptic splice donor site (PMID: 35870179); Not observed at significant frequency in large population cohorts (gnomAD); In silico analysis supports a deleterious effect on splicing; This variant is associated with the following publications: (PMID: 35870179)

Blueprint Genetics
Classification: Likely pathogenic for TECTA-related disorders. Last evaluated: 2022-05-14. Review status: criteria provided, single submitter. Criteria: ACMG Guidelines, 2015. Collection method: clinical testing. Allele origin: germline. Affected: yes. Observed: 5 variant alleles.

Laboratory for Molecular Medicine, Mass General Brigham Personalized Medicine
Classification: Uncertain significance. Last evaluated: 2018-07-27. Review status: flagged submission. Criteria: LMM Criteria. Collection method: clinical testing. Allele origin: germline. Inheritance: Autosomal recessive inheritance. Observed: 4 variant alleles. Not counted in ClinVar's aggregate classification.
Comment: Variant classified as Uncertain Significance - Favor Pathogenic. The p.Gly109Gly variant in TECTA has been reported by our laboratory in three individuals with hearing loss, including this case. In the second family, the proband carried a pathogenic variant in TECTA that was likely in trans, as one parent was tested for the two variants but only harbored one. This variant has also b een reported as a VUS in ClinVar (Variation ID# 179381). It has also been ident ified in 1/33580 Latino chromosomes by the Genome Aggregation Database (gnomAD). While the variant does not alter an amino aci d residue, computational tools suggest the creation of a cryptic splice site. Ho wever, this information is not predictive enough to determine pathogenicity. In summary, the clinical significance of the p.Gly109Gly variant is uncertain but w e would lean towards a more likely pathogenic role. ACMG/AMP criteria applied: P M2, PM3, PP3.
ClinVar note: Reason: Older claim that does not account for recent evidence

Eurofins Ntd Llc (ga)
Classification: Uncertain significance. Last evaluated: 2017-05-05. Review status: flagged submission. Criteria: EGL Classification Definitions 2015. Collection method: clinical testing. Allele origin: germline. Observed: 2 variant alleles, 2 heterozygotes. Not counted in ClinVar's aggregate classification.
ClinVar note: Reason: Older claim that does not account for recent evidence

Literature cited by the submitters: PubMed 35870179 (cited by 3 submitters).